The following is an entry in ClinVar:

ClinVar aggregate classification (germline): Uncertain significance (1 of 4 stars; one submission).

Conditions:
Hereditary cancer-predisposing syndrome. Also called: Tumor predisposition; Neoplastic Syndromes, Hereditary; Hereditary Cancer Syndrome; Hereditary neoplastic syndrome. Identifiers: Orphanet 140162, MedGen C0027672, MeSH D009386, MONDO:0015356.

Submission:

Color Diagnostics, LLC DBA Color Health
Classification: Uncertain significance for Hereditary cancer-predisposing syndrome. Last evaluated: 2021-10-13. Review status: criteria provided, single submitter. Criteria: ACMG Guidelines, 2015. Collection method: clinical testing. Allele origin: germline.
Comment: This missense variant replaces valine with leucine at codon 2671 of the ATM protein. Computational prediction is inconclusive regarding the impact of this variant on protein structure and function (internally defined REVEL score threshold 0.5 < inconclusive < 0.7, PMID: 27666373). To our knowledge, functional studies have not been reported for this variant. This variant has not been reported in individuals affected with hereditary cancer in the literature. This variant has not been identified in the general population by the Genome Aggregation Database (gnomAD). The available evidence is insufficient to determine the role of this variant in disease conclusively. Therefore, this variant is classified as a Variant of Uncertain Significance.

NM_000051.4(ATM):c.8011G>C (p.Val2671Leu)

Genes: ATM (ATM serine/threonine kinase; plus strand), C11orf65 (chromosome 11 open reading frame 65; minus strand). Cytogenetic location: 11q22.3.
Variant type: single nucleotide variant.
Coding change: c.8011G>C on transcript NM_000051.4 (MANE Select); coding-DNA position 8011, G replaced by C.
Protein change: p.Val2671Leu; replaces valine 2671 with leucine.
Molecular consequence: missense variant. On other transcripts: intron variant (2).
Genome position (GRCh38, 1-based): chr11:108,334,969, G>C. VCF-style: chr11-108334969-G-C. GRCh37 (hg19) VCF-style: chr11-108205696-G-C.
Other names: c.8011G>C, p.Val2671Leu (NM_001351834.2); c.641-25898C>G (NM_001330368.2); c.*38+251C>G (NM_001351110.2); short protein forms V2671L.
Identifiers: ClinVar variation 2774724 (VCV002774724.1), dbSNP rs2136652433, ClinGen allele CA382561834.